The following is an entry in ClinVar:

ClinVar aggregate classification (germline): Pathogenic (1 of 4 stars; one submission).

Conditions:
Treacher Collins syndrome 1 (TCS1). Also called: TCOF1-Related Treacher Collins Syndrome. Identifiers: Orphanet 861, MedGen CN315775, MONDO:0007944, OMIM 154500.

Submission:

Labcorp Genetics (formerly Invitae), Labcorp
Classification: Pathogenic for Treacher Collins syndrome 1. Last evaluated: 2022-06-22. Review status: criteria provided, single submitter. Criteria: Invitae Variant Classification Sherloc (09022015). Collection method: clinical testing. Allele origin: germline.
Comment: For these reasons, this variant has been classified as Pathogenic. This premature translational stop signal has been observed in individual(s) with Treacher-Collins syndrome (PMID: 25790162). This variant is not present in population databases (gnomAD no frequency). This sequence change creates a premature translational stop signal (p.Lys131Serfs*43) in the TCOF1 gene. It is expected to result in an absent or disrupted protein product. Loss-of-function variants in TCOF1 are known to be pathogenic (PMID: 8894686, 22317976).

Literature cited by the submitters: PubMed 25790162; PubMed 8894686; PubMed 22317976.

NM_001371623.1(TCOF1):c.390_391del (p.Lys131fs)

Gene: TCOF1 (treacle ribosome biogenesis factor 1; plus strand). Cytogenetic location: 5q32.
Variant type: Microsatellite.
Coding change: c.390_391del on transcript NM_001371623.1 (MANE Select); coding-DNA positions 390 to 391, 2 bases deleted (GA; older notation c.390_391delGA).
Protein change: p.Lys131fs; shifts the reading frame from lysine 131.
Molecular consequence: frameshift variant.
Genome position (GRCh38, 1-based): chr5:150,368,727-150,368,728, GA deleted; deleting any 2 consecutive bases within chr5:150,368,724-150,368,728 gives the same sequence; the c. name uses the placement nearest the transcript's 3' end. VCF-style (leftmost placement, unchanged base first): chr5-150368723-CAG-C. GRCh37 (hg19) VCF-style: chr5-149748286-CAG-C.
Other names: c.390_391del, p.Lys131fs (NM_000356.4, NM_001008657.3, NM_001135243.2 and 3 more transcripts); short protein forms K131fs.
Identifiers: ClinVar variation 2136345 (VCV002136345.4), dbSNP rs2533073814, ClinGen allele CA913203543.